The following is an entry in ClinVar:

ClinVar aggregate classification (germline): Conflicting classifications of pathogenicity. Review status: criteria provided, conflicting classifications (1 of 4 stars). 4 submissions from 4 submitters: Pathogenic (1); Uncertain significance (2). 1 of the submissions does not count toward it. Last evaluated 2026-08-20.

Conditions:
Combined oxidative phosphorylation deficiency 36 (COXPD36). Identifiers: MedGen C4693722, MONDO:0054781, OMIM 617950.
MRPS2-related disorder. Also called: MRPS2-related condition.

Allele frequency attached by ClinVar (database versions not stated): gnomAD 0.00003; TOPMed 0.00003; gnomAD exomes 0.00007 and 0.00008; ExAC 0.00008; 1000 Genomes Project 0.00020; 1000 Genomes Project 30x 0.00031.

Submissions (4):

PreventionGenetics, part of Exact Sciences
Classification: Uncertain significance for MRPS2-related condition. Last evaluated: 2026-08-20. Review status: criteria provided, single submitter. Criteria: ACMG Guidelines, 2015. Collection method: clinical testing. Allele origin: germline.
Comment: The MRPS2 c.340G>A variant is predicted to result in the amino acid substitution p.Asp114Asn. This variant was reported in the compound heterozygous state with a second potentially causative variant in an individual with sensorineural hearing loss, developmental delay, hypoglycemia and combined OXPHOS deficiency (Gardeitchik et al. 2018. PubMed ID: 29576219). This variant is reported in 0.025% of alleles in individuals of Latino descent in gnomAD. At this time, the clinical significance of this variant is uncertain due to the absence of conclusive functional and genetic evidence.

Labcorp Genetics (formerly Invitae), Labcorp
Classification: Uncertain significance. Last evaluated: 2023-07-28. Review status: criteria provided, single submitter. Criteria: Invitae Variant Classification Sherloc (09022015). Collection method: clinical testing. Allele origin: germline.
Comment: In summary, the available evidence is currently insufficient to determine the role of this variant in disease. Therefore, it has been classified as a Variant of Uncertain Significance. Advanced modeling of protein sequence and biophysical properties (such as structural, functional, and spatial information, amino acid conservation, physicochemical variation, residue mobility, and thermodynamic stability) performed at Invitae indicates that this missense variant is not expected to disrupt MRPS2 protein function. This sequence change replaces aspartic acid, which is acidic and polar, with asparagine, which is neutral and polar, at codon 114 of the MRPS2 protein (p.Asp114Asn). This variant is present in population databases (rs201229537, gnomAD 0.03%). This missense change has been observed in individual(s) with clinical features of combined oxidative phosphorylation deficiency (PMID: 29576219). ClinVar contains an entry for this variant (Variation ID: 523224).

SIB Swiss Institute of Bioinformatics
Classification: Pathogenic for Combined oxidative phosphorylation deficiency 36. Last evaluated: 2018-10-15. Review status: criteria provided, single submitter. Criteria: ACMG Guidelines, 2015. Collection method: curation. Allele origin: unknown.
Comment: This variant is interpreted as Pathogenic, for Combined oxidative phosphorylation deficiency 36, autosomal recessive. The following ACMG Tag(s) were applied: PM2 => Absent from controls (or at extremely low frequency if recessive) in Exome Sequencing Project, 1000 Genomes Project, or Exome Aggregation Consortium. PM3 => For recessive disorders, detected in trans with a pathogenic variant (PubMed 29576219). PS3-Very Strong => PS3 upgraded in strength to Very Strong (PubMed 29576219).

OMIM
Classification: Pathogenic for COMBINED OXIDATIVE PHOSPHORYLATION DEFICIENCY 36. Last evaluated: 2018-05-03. Review status: no assertion criteria provided. Collection method: literature only. Allele origin: germline. Not counted in ClinVar's aggregate classification.

Literature cited by the submitters: PubMed 29576219 (cited by 3 submitters).

NM_016034.5(MRPS2):c.340G>A (p.Asp114Asn)

Genes: MRPS2 (mitochondrial ribosomal protein S2; plus strand), LOC101928525 (uncharacterized LOC101928525; minus strand). Cytogenetic location: 9q34.3.
Variant type: single nucleotide variant.
Coding change: c.340G>A on transcript NM_016034.5 (MANE Select); coding-DNA position 340, G replaced by A.
Protein change: p.Asp114Asn; replaces aspartic acid 114 with asparagine.
Molecular consequence: missense variant. On other transcripts: non-coding transcript variant (5).
Genome position (GRCh38, 1-based): chr9:135,503,582, G>A. VCF-style: chr9-135503582-G-A. GRCh37 (hg19) VCF-style: chr9-138395428-G-A.
Other names: c.340G>A (NM_016034.4); c.340G>A, p.Asp114Asn (NM_001371401.1); short protein forms D114N.
Identifiers: ClinVar variation 523224 (VCV000523224.5), dbSNP rs201229537, ClinGen allele CA5323914.